The following is an entry in ClinVar:

ClinVar aggregate classification (germline): Uncertain significance. Review status: criteria provided, multiple submitters, no conflicts (2 of 4 stars). 2 submissions from 2 submitters: Uncertain significance (2). Last evaluated 2023-11-01.

Conditions:
Distal myopathy with posterior leg and anterior hand involvement. Also called: WILLIAMS DISTAL MYOPATHY. Identifiers: Orphanet 63273, MedGen C3279722, MONDO:0013550, OMIM 614065.
Hypertrophic cardiomyopathy 26. Also called: Cardiomyopathy, familial hypertrophic, 26. Identifiers: Orphanet 75249, MedGen C4310749, MONDO:0014883, OMIM 617047.
Myofibrillar myopathy 5. Also called: Filaminopathy (type); FILAMINOPATHY, AUTOSOMAL DOMINANT. Identifiers: Orphanet 171445, MedGen C1836050, MONDO:0012289, OMIM 609524.
Cardiovascular phenotype. Identifiers: MedGen CN230736.

Submissions (2):

Ambry Genetics
Classification: Uncertain significance for Cardiovascular phenotype. Last evaluated: 2023-11-01. Review status: criteria provided, single submitter. Criteria: Ambry Variant Classification Scheme 2023. Collection method: clinical testing. Allele origin: germline.
Comment: The c.3643A>C (p.T1215P) alteration is located in exon 21 (coding exon 21) of the FLNC gene. This alteration results from a A to C substitution at nucleotide position 3643, causing the threonine (T) at amino acid position 1215 to be replaced by a proline (P). This variant was not reported in population-based cohorts in the Genome Aggregation Database (gnomAD). This amino acid position is highly conserved in available vertebrate species. This alteration is predicted to be deleterious by in silico analysis. Based on insufficient or conflicting evidence, the clinical significance of this alteration remains unclear.

Labcorp Genetics (formerly Invitae), Labcorp
Classification: Uncertain significance for Distal myopathy with posterior leg and anterior hand involvement; Myofibrillar myopathy 5; Hypertrophic cardiomyopathy 26. Last evaluated: 2023-07-14. Review status: criteria provided, single submitter. Criteria: Invitae Variant Classification Sherloc (09022015). Collection method: clinical testing. Allele origin: germline.
Comment: Advanced modeling of protein sequence and biophysical properties (such as structural, functional, and spatial information, amino acid conservation, physicochemical variation, residue mobility, and thermodynamic stability) has been performed at Invitae for this missense variant, however the output from this modeling did not meet the statistical confidence thresholds required to predict the impact of this variant on FLNC protein function. In summary, the available evidence is currently insufficient to determine the role of this variant in disease. Therefore, it has been classified as a Variant of Uncertain Significance. ClinVar contains an entry for this variant (Variation ID: 1411094). This variant has not been reported in the literature in individuals affected with FLNC-related conditions. This variant is not present in population databases (gnomAD no frequency). This sequence change replaces threonine, which is neutral and polar, with proline, which is neutral and non-polar, at codon 1215 of the FLNC protein (p.Thr1215Pro).

NM_001458.5(FLNC):c.3643A>C (p.Thr1215Pro)

Gene: FLNC (filamin C; plus strand). Cytogenetic location: 7q32.1.
Variant type: single nucleotide variant.
Coding change: c.3643A>C on transcript NM_001458.5 (MANE Select); coding-DNA position 3643, A replaced by C.
Protein change: p.Thr1215Pro; replaces threonine 1215 with proline.
Molecular consequence: missense variant.
Genome position (GRCh38, 1-based): chr7:128,845,108, A>C. VCF-style: chr7-128845108-A-C. GRCh37 (hg19) VCF-style: chr7-128485162-A-C.
Other names: c.3643A>C (NM_001458.4); c.3643A>C, p.Thr1215Pro (NM_001127487.2); short protein forms T1215P.
Identifiers: ClinVar variation 1411094 (VCV001411094.9), dbSNP rs2128936501, ClinGen allele CA369197497.